The following is an entry in ClinVar:

ClinVar aggregate classification (germline): Uncertain significance (1 of 4 stars; one submission).

Submission:

Labcorp Genetics (formerly Invitae), Labcorp
Classification: Uncertain significance. Last evaluated: 2021-06-07. Review status: criteria provided, single submitter. Criteria: Invitae Variant Classification Sherloc (09022015). Collection method: clinical testing. Allele origin: germline.
Comment: This variant, c.2831_2839del, results in the deletion of 3 amino acid(s) of the COL18A1 protein (p.Pro944_Pro946del), but otherwise preserves the integrity of the reading frame. The frequency data for this variant in the population databases is considered unreliable, as metrics indicate insufficient coverage at this position in the ExAC database. This variant has not been reported in the literature in individuals with COL18A1-related conditions. Experimental studies and prediction algorithms are not available or were not evaluated, and the functional significance of this variant is currently unknown. In summary, the available evidence is currently insufficient to determine the role of this variant in disease. Therefore, it has been classified as a Variant of Uncertain Significance.

NM_030582.4(COL18A1):c.3371_3379del (p.1118PGP[2])

Genes: COL18A1 (collagen type XVIII alpha 1 chain; plus strand), SLC19A1 (solute carrier family 19 member 1; minus strand). Cytogenetic location: 21q22.3.
Variant type: Deletion.
Coding change: c.3371_3379del on transcript NM_030582.4; coding-DNA positions 3371 to 3379, 9 bases deleted (CAGGCCCAC; older notation c.3371_3379delCAGGCCCAC).
Protein change: p.1118PGP[2].
Molecular consequence: inframe deletion.
Genome position (GRCh38, 1-based): chr21:45,504,528-45,504,536, CAGGCCCAC deleted; deleting any 9 consecutive bases within chr21:45,504,527-45,504,536 gives the same sequence; the c. name uses the placement nearest the transcript's 3' end. VCF-style (leftmost placement, unchanged base first): chr21-45504526-CCCAGGCCCA-C. GRCh37 (hg19) VCF-style: chr21-46924440-CCCAGGCCCA-C.
Other names: c.4076_4084del, p.1353PGP[2] (NM_130444.3).
Identifiers: ClinVar variation 1491614 (VCV001491614.8), dbSNP rs1568941037, ClinGen allele CA410499302.